The following is an entry in ClinVar:

ClinVar aggregate classification (germline): Likely benign. Review status: criteria provided, multiple submitters, no conflicts (2 of 4 stars). 2 submissions from 2 submitters: Likely benign (2). Last evaluated 2024-12-04.

Conditions:
TTLL5-related disorder. Also called: TTLL5-related condition.

Allele frequency attached by ClinVar (database versions not stated): gnomAD 0.00001; gnomAD exomes 0.00001; TOPMed 0.00001; ExAC 0.00008.
gnomAD v4.1: 18 of 1,607,942 alleles (0.0011%); highest among the groups gnomAD compares: Admixed American, 0.018%; no homozygotes.

Submissions (2):

PreventionGenetics, part of Exact Sciences
Classification: Likely benign for TTLL5-related condition. Last evaluated: 2024-12-04. Review status: criteria provided, single submitter. Criteria: ACMG Guidelines, 2015. Collection method: clinical testing. Allele origin: germline.
Comment: This variant is classified as likely benign based on ACMG/AMP sequence variant interpretation guidelines (Richards et al. 2015 PMID: 25741868, with internal and published modifications).

Labcorp Genetics (formerly Invitae), Labcorp
Classification: Likely benign. Last evaluated: 2024-08-14. Review status: criteria provided, single submitter. Criteria: Invitae Variant Classification Sherloc (09022015). Collection method: clinical testing. Allele origin: germline.

NM_015072.5(TTLL5):c.3006G>A (p.Lys1002=)

Gene: TTLL5 (tubulin tyrosine ligase like 5; plus strand). Cytogenetic location: 14q24.3.
Variant type: single nucleotide variant.
Coding change: c.3006G>A on transcript NM_015072.5 (MANE Select); coding-DNA position 3006, G replaced by A.
Protein change: p.Lys1002=; no amino-acid change (lysine 1002 retained).
Molecular consequence: synonymous variant.
Genome position (GRCh38, 1-based): chr14:75,792,935, G>A. VCF-style: chr14-75792935-G-A. GRCh37 (hg19) VCF-style: chr14-76259278-G-A.
Other names: c.3006G>A (NM_015072.4).
Identifiers: ClinVar variation 2980682 (VCV002980682.4), dbSNP rs756083709, ClinGen allele CA7279876.
Genomic context (GRCh38, chr14:75,792,935, plus strand): 5'-TTTTTTCCTAAATGAGTGAAAACTTTTCTCCGTTTTAGCAGGATCGTGCTATCTAAACAA[G>A]CATCATTCAGGAATAGCCAAAACACAAAAAGAGGGAGAAGATGCTTCTTTATATAGCAAA-3'
Protein context (NP_055887.3, residues 992-1012): SAKAGSCYLN[Lys1002=]HHSGIAKTQK